The following is an entry in ClinVar:

ClinVar aggregate classification (germline): Uncertain significance (1 of 4 stars; one submission).

Allele frequency attached by ClinVar (database versions not stated): gnomAD exomes below 0.00001; ExAC 0.00001.

Submission:

Labcorp Genetics (formerly Invitae), Labcorp
Classification: Uncertain significance. Last evaluated: 2022-06-10. Review status: criteria provided, single submitter. Criteria: Invitae Variant Classification Sherloc (09022015). Collection method: clinical testing. Allele origin: germline.
Comment: This variant is present in population databases (rs756753785, gnomAD 0.0009%). In summary, the available evidence is currently insufficient to determine the role of this variant in disease. Therefore, it has been classified as a Variant of Uncertain Significance. Algorithms developed to predict the effect of missense changes on protein structure and function (SIFT, PolyPhen-2, Align-GVGD) all suggest that this variant is likely to be disruptive. This variant has not been reported in the literature in individuals affected with PCARE-related conditions. This sequence change replaces serine, which is neutral and polar, with threonine, which is neutral and polar, at codon 350 of the PCARE protein (p.Ser350Thr).

NM_001029883.3(PCARE):c.1049G>C (p.Ser350Thr)

Gene: PCARE (photoreceptor cilium actin regulator; minus strand). Cytogenetic location: 2p23.2.
Variant type: single nucleotide variant.
Coding change: c.1049G>C on transcript NM_001029883.3 (MANE Select); coding-DNA position 1049, G replaced by C.
Protein change: p.Ser350Thr; replaces serine 350 with threonine.
Molecular consequence: missense variant.
Genome position (GRCh38, 1-based): chr2:29,073,213, C>G on the plus strand (G>C on the coding strand, the complement: PCARE is on the minus strand). VCF-style: chr2-29073213-C-G. GRCh37 (hg19) VCF-style: chr2-29296079-C-G.
Other names: short protein forms S350T.
Identifiers: ClinVar variation 2004438 (VCV002004438.4), dbSNP rs756753785, ClinGen allele CA1592513.